The following is an entry in ClinVar:

ClinVar aggregate classification (germline): Uncertain significance. Review status: criteria provided, multiple submitters, no conflicts (2 of 4 stars). 2 submissions from 2 submitters: Uncertain significance (2). Last evaluated 2026-06-23.

Conditions:
Cardiovascular phenotype. Identifiers: MedGen CN230736.

Allele frequency attached by ClinVar (database versions not stated): gnomAD exomes 0.00001; ExAC 0.00002.
gnomAD v4.1: 14 of 1,613,478 alleles (0.00087%); highest among the groups gnomAD compares: Non-Finnish European, 0.0012%; no homozygotes.

Submissions (2):

Ambry Genetics
Classification: Uncertain significance for Cardiovascular phenotype. Last evaluated: 2026-06-23. Review status: criteria provided, single submitter. Criteria: Ambry Variant Classification Scheme 2023. Collection method: clinical testing. Allele origin: germline.
Comment: The c.9317T>C (p.I3106T) alteration is located in exon 38 (coding exon 38) of the AKAP9 gene. This alteration results from a T to C substitution at nucleotide position 9317, causing the isoleucine (I) at amino acid position 3106 to be replaced by a threonine (T). Based on data from gnomAD, the C allele has an overall frequency of 0.001% (3/251194) total alleles studied. The highest observed frequency was 0.003% (3/113582) of European (non-Finnish) alleles. Based on insufficient or conflicting evidence, the clinical significance of this alteration remains unclear.

Mayo Clinic Laboratories, Mayo Clinic
Classification: Uncertain significance. Last evaluated: 2020-01-08. Review status: criteria provided, single submitter. Criteria: ACMG Guidelines, 2015. Collection method: clinical testing. Allele origin: germline. Observed: 1 variant allele.

NM_005751.5(AKAP9):c.9317T>C (p.Ile3106Thr)

Gene: AKAP9 (A-kinase anchoring protein 9; plus strand). Cytogenetic location: 7q21.2.
Variant type: single nucleotide variant.
Coding change: c.9317T>C on transcript NM_005751.5 (MANE Select); coding-DNA position 9317, T replaced by C.
Protein change: p.Ile3106Thr; replaces isoleucine 3106 with threonine.
Molecular consequence: missense variant.
Genome position (GRCh38, 1-based): chr7:92,089,488, T>C. VCF-style: chr7-92089488-T-C. GRCh37 (hg19) VCF-style: chr7-91718802-T-C.
Other names: c.3962T>C, p.Ile1321Thr (NM_001379277.1); c.9293T>C, p.Ile3098Thr (NM_147185.3); short protein forms I1321T, I3098T, I3106T.
Identifiers: ClinVar variation 1163285 (VCV001163285.8), dbSNP rs747304560, ClinGen allele CA4337710.